The following is an entry in ClinVar:

ClinVar aggregate classification (germline): Uncertain significance (1 of 4 stars; one submission).

Submission:

GeneDx
Classification: Uncertain significance. Last evaluated: 2021-10-29. Review status: criteria provided, single submitter. Criteria: GeneDx Variant Classification Process June 2021. Collection method: clinical testing. Allele origin: germline. Affected: yes.
Comment: Not observed at significant frequency in large population cohorts (gnomAD); In silico analysis supports that this missense variant does not alter protein structure/function; Has not been previously published as pathogenic or benign to our knowledge

NM_001349338.3(FOXP1):c.520G>A (p.Val174Met)

Gene: FOXP1 (forkhead box P1; minus strand). Cytogenetic location: 3p13.
Variant type: single nucleotide variant.
Coding change: c.520G>A on transcript NM_001349338.3 (MANE Select); coding-DNA position 520, G replaced by A.
Protein change: p.Val174Met; replaces valine 174 with methionine.
Molecular consequence: missense variant. On other transcripts: non-coding transcript variant (2).
Genome position (GRCh38, 1-based): chr3:71,047,086, C>T on the plus strand (G>A on the coding strand, the complement: FOXP1 is on the minus strand). VCF-style: chr3-71047086-C-T. GRCh37 (hg19) VCF-style: chr3-71096237-C-T.
Other names: c.520G>A, p.Val174Met (NM_001244808.3, NM_001244810.2, NM_001244814.3 and 3 more transcripts); c.292G>A, p.Val98Met (NM_001244812.3); c.220G>A, p.Val74Met (NM_001244813.3, NM_001244815.2, NM_001349342.3 and 1 more transcripts); c.217G>A, p.Val73Met (NM_001349337.2, NM_001349343.3, NM_001349344.3); c.517G>A, p.Val173Met (NM_001349341.3); short protein forms V173M, V174M, V73M, V74M, V98M.
Identifiers: ClinVar variation 1683890 (VCV001683890.2), dbSNP rs2106977104, ClinGen allele CA353563576.